The following is an entry in ClinVar:

ClinVar aggregate classification (germline): Uncertain significance (1 of 4 stars; one submission).

gnomAD v4.1: 1 of 1,614,070 alleles (0.000062%); highest among the groups gnomAD compares: Non-Finnish European, 0.000085%; no homozygotes.

Submission:

GeneDx
Classification: Uncertain significance. Last evaluated: 2024-06-17. Review status: criteria provided, single submitter. Criteria: GeneDx Variant Classification Process June 2021. Collection method: clinical testing. Allele origin: germline. Affected: yes.
Comment: Not observed at significant frequency in large population cohorts (gnomAD); In silico analysis supports that this missense variant has a deleterious effect on protein structure/function; Has not been previously published as pathogenic or benign to our knowledge

NM_170606.3(KMT2C):c.14407A>G (p.Thr4803Ala)

Gene: KMT2C (lysine methyltransferase 2C; minus strand). Cytogenetic location: 7q36.1.
Variant type: single nucleotide variant.
Coding change: c.14407A>G on transcript NM_170606.3 (MANE Select); coding-DNA position 14407, A replaced by G.
Protein change: p.Thr4803Ala; replaces threonine 4803 with alanine.
Molecular consequence: missense variant.
Genome position (GRCh38, 1-based): chr7:152,139,728, T>C on the plus strand (A>G on the coding strand, the complement: KMT2C is on the minus strand). VCF-style: chr7-152139728-T-C. GRCh37 (hg19) VCF-style: chr7-151836813-T-C.
Other names: short protein forms T4803A.
Identifiers: ClinVar variation 3391646 (VCV003391646.1).